The following is an entry in ClinVar:

NM_001267550.2(TTN):c.58576G>A (p.Val19526Ile)

Genes: TTN-AS1 (TTN antisense RNA 1; plus strand), TTN (titin; minus strand). Cytogenetic location: 2q31.2.
Variant type: single nucleotide variant.
Coding change: c.58576G>A on transcript NM_001267550.2 (MANE Select); coding-DNA position 58576, G replaced by A.
Protein change: p.Val19526Ile; replaces valine 19526 with isoleucine.
Molecular consequence: missense variant.
Genome position (GRCh38, 1-based): chr2:178,593,724, C>T on the plus strand (G>A on the coding strand, the complement: TTN is on the minus strand). VCF-style: chr2-178593724-C-T. GRCh37 (hg19) VCF-style: chr2-179458451-C-T.
Other names: p.Val17885Ile; c.50872G>A, p.Val16958Ile (NM_133378.4); c.53653G>A, p.Val17885Ile (NM_001256850.1); c.31381G>A, p.Val10461Ile (NM_003319.4); c.31756G>A, p.Val10586Ile (NM_133432.3); c.31957G>A, p.Val10653Ile (NM_133437.4); short protein forms V16958I, V19526I, V10461I, V10653I, V17885I, V10586I.
Identifiers: ClinVar variation 192163 (VCV000192163.63), dbSNP rs377682563, ClinGen allele CA238495.
Genomic context (GRCh38, chr2:178,593,724, plus strand): 5'-CAAGTAGTTTAGAAACTTTGCATGTTGTTTTAGCACTTGCAGATGTCACTGGCATCCAGA[C>T]GTCTTTACCCACTTCCTTCTTCTCAATAATATAATTGGTGATTTTACTGCCTCCATCATC-3'
Protein context (NP_001254479.2, residues 19516-19536): IIEKKEVGKD[Val19526Ile]WMPVTSASAK

ClinVar aggregate classification (germline): Conflicting classifications of pathogenicity. Review status: criteria provided, conflicting classifications (1 of 4 stars). 20 submissions from 16 submitters: Uncertain significance (11); Benign (2); Likely benign (7). Last evaluated 2025-06-25.

Conditions:
TTN-related disorder. Also called: TTN-related condition; TTN-related disease; TTN-related disorders.
Cardiovascular phenotype. Identifiers: MedGen CN230736.
Dilated cardiomyopathy 1G (CMD1G). Identifiers: Orphanet 154, MedGen C1858763, MONDO:0011400, OMIM 604145.
Autosomal recessive limb-girdle muscular dystrophy type 2J (LGMDR10). Also called: Limb-girdle muscular dystrophy, type 2J; MUSCULAR DYSTROPHY, LIMB-GIRDLE, AUTOSOMAL RECESSIVE 10. Identifiers: Orphanet 140922, MedGen C1837342, MONDO:0012127, OMIM 608807.
Cardiomyopathy (CMYO). Also called: Cardiomyopathies. Identifiers: Orphanet 167848, MedGen C0878544, MONDO:0004994, HP:0001638. Inheritance: Various modes of inheritance.
Tibial muscular dystrophy (TMD). Also called: Udd Distal Myopathy – Tibial Muscular Dystrophy; Tibial muscular dystrophy, tardive; UDD MYOPATHY. Identifiers: Orphanet 609, MedGen C1838244, MONDO:0010870, OMIM 600334.
Early-onset myopathy with fatal cardiomyopathy (CMYO5). Also called: CONGENITAL MYOPATHY 5 WITH CARDIOMYOPATHY; Salih Myopathy. Identifiers: Orphanet 289377, MedGen C2673677, MONDO:0012714, OMIM 611705. Disease mechanism: loss of function.
Myopathy, myofibrillar, 9, with early respiratory failure (MFM9). Also called: EDSTROM MYOPATHY; MYOPATHY, PROXIMAL, WITH EARLY RESPIRATORY MUSCLE INVOLVEMENT; Hereditary myopathy with early respiratory failure; Myopathy, distal, with early respiratory failure, autosomal dominant. Identifiers: Orphanet 178464, Orphanet 34521, MedGen C1863599, MONDO:0011362, OMIM 603689.

Allele frequency attached by ClinVar (database versions not stated): ExAC 0.00014; 1000 Genomes Project 30x 0.00016; ESP Exome Variant Server 0.00017; gnomAD 0.00019; 1000 Genomes Project 0.00020; TOPMed 0.00025.
gnomAD v4.1: 533 of 1,613,314 alleles (0.033%); highest among the groups gnomAD compares: Non-Finnish European, 0.042%; 2 homozygotes.

Submissions (20):

PreventionGenetics, part of Exact Sciences
Classification: Likely benign for TTN-related condition. Last evaluated: 2025-06-25. Review status: criteria provided, single submitter. Criteria: ACMG Guidelines, 2015. Collection method: clinical testing. Allele origin: germline.
Comment: This variant is classified as likely benign based on ACMG/AMP sequence variant interpretation guidelines (Richards et al. 2015 PMID: 25741868, with internal and published modifications).

Revvity Omics, Revvity
Classification: Uncertain significance. Last evaluated: 2025-05-26. Review status: criteria provided, single submitter. Criteria: ACMG Guidelines, 2015. Collection method: clinical testing. Allele origin: germline.

Molecular Diagnostic Laboratory for Inherited Cardiovascular Disease, Montreal Heart Institute
Classification: Likely benign. Last evaluated: 2025-04-09. Review status: criteria provided, single submitter. Criteria: ACMG Guidelines, 2015. Collection method: clinical testing. Allele origin: germline. Affected: no.

Women's Health and Genetics/Laboratory Corporation of America, LabCorp
Classification: Uncertain significance. Last evaluated: 2025-04-07. Review status: criteria provided, single submitter. Criteria: LabCorp Variant Classification Summary - May 2015. Collection method: clinical testing. Allele origin: germline.
Comment: Variant summary: TTN c.50872G>A (p.Val16958Ile) results in a conservative amino acid change in the encoded protein sequence. Four of four in-silico tools predict a benign effect of the variant on protein function. The variant allele was found at a frequency of 0.00015 in 248184 control chromosomes. This frequency is not significantly higher than estimated for a pathogenic variant in TTN causing Dilated Cardiomyopathy (0.00015 vs 0.00039), allowing no conclusion about variant significance. c.50872G>A has been reported in the literature. These report(s) do not provide unequivocal conclusions about association of the variant with Dilated Cardiomyopathy. To our knowledge, no experimental evidence demonstrating an impact on protein function has been reported. The following publications have been ascertained in the context of this evaluation (PMID: 25448463, 26498160). ClinVar contains an entry for this variant (Variation ID: 192163). Based on the evidence outlined above, the variant was classified as uncertain significance.

Mayo Clinic Laboratories, Mayo Clinic
Classification: Likely benign. Last evaluated: 2025-02-28. Review status: criteria provided, single submitter. Criteria: ACMG Guidelines, 2015. Collection method: clinical testing. Allele origin: germline. Observed: 1 variant allele.
Comment: BP4_moderate

Blueprint Genetics
Classification: Likely benign. Last evaluated: 2024-10-08. Review status: criteria provided, single submitter. Criteria: ACMG Guidelines, 2015. Collection method: clinical testing. Allele origin: germline.

ARUP Laboratories, Molecular Genetics and Genomics, ARUP Laboratories
Classification: Uncertain significance. Last evaluated: 2024-08-15. Review status: criteria provided, single submitter. Criteria: ARUP Molecular Germline Variant Investigation Process 2024. Collection method: clinical testing. Allele origin: germline.
Comment: The TTN c.58576G>A; p.Val19526Ile variant (rs377682563; ClinVar Variation ID: 192163) is rare in the general population (<0.2% allele frequency in the Genome Aggregation Database) and has not been reported in the medical literature in association with dilated cardiomyopathy (DCM) or other TTN-related disease. The clinical relevance of rare missense variants in this gene, which are identified on average once per individual sequenced in affected populations (Herman 2012), is not well understood. Yet, evidence suggests that the vast majority of such missense variants do not contribute to the clinical outcome of DCM (Begay 2015). Thus, the clinical significance of the p.Val19526Ile variant cannot be determined with certainty.

CeGaT Center for Human Genetics Tuebingen
Classification: Uncertain significance. Last evaluated: 2021-12-01. Review status: criteria provided, single submitter. Criteria: CeGaT Center For Human Genetics Tuebingen Variant Classification Criteria Version 2. Collection method: clinical testing. Allele origin: germline. Affected: yes. Observed: 2 variant alleles.

CHEO Genetics Diagnostic Laboratory, Children's Hospital of Eastern Ontario
Classification: Uncertain significance for Cardiomyopathy. Last evaluated: 2020-06-08. Review status: criteria provided, single submitter. Criteria: ACMG Guidelines, 2015. Collection method: clinical testing. Allele origin: germline.

Ambry Genetics
Classification: Likely benign for Cardiovascular phenotype. Last evaluated: 2019-05-24. Review status: criteria provided, single submitter. Criteria: Ambry Variant Classification Scheme 2023. Collection method: clinical testing. Allele origin: germline.

GeneDx
Classification: Likely benign. Last evaluated: 2019-03-18. Review status: criteria provided, single submitter. Criteria: GeneDx Variant Classification Process June 2021. Collection method: clinical testing. Allele origin: germline. Affected: yes.

Illumina Laboratory Services, Illumina
Classification: Uncertain significance for Dilated cardiomyopathy 1G. Last evaluated: 2018-01-13. Review status: criteria provided, single submitter. Criteria: ICSL Variant Classification Criteria 13 December 2019. Collection method: clinical testing. Allele origin: germline.

Illumina Laboratory Services, Illumina
Classification: Benign for Myopathy, myofibrillar, 9, with early respiratory failure. Last evaluated: 2018-01-13. Review status: criteria provided, single submitter. Criteria: ICSL Variant Classification Criteria 13 December 2019. Collection method: clinical testing. Allele origin: germline.
Comment: This variant was observed in the ICSL laboratory as part of a predisposition screen in an ostensibly healthy population. It had not been previously curated by ICSL or reported in the Human Gene Mutation Database (HGMD: prior to June 1st, 2018), and was therefore a candidate for classification through an automated scoring system. Utilizing variant allele frequency, disease prevalence and penetrance estimates, and inheritance mode, an automated score was calculated to assess if this variant is too frequent to cause the disease. Based on the score and internal cut-off values, a variant classified as benign is not then subjected to further curation. The score for this variant resulted in a classification of benign for this disease.

Illumina Laboratory Services, Illumina
Classification: Uncertain significance for Autosomal recessive limb-girdle muscular dystrophy type 2J. Last evaluated: 2018-01-13. Review status: criteria provided, single submitter. Criteria: ICSL Variant Classification Criteria 13 December 2019. Collection method: clinical testing. Allele origin: germline.

Illumina Laboratory Services, Illumina
Classification: Uncertain significance for Early-onset myopathy with fatal cardiomyopathy. Last evaluated: 2018-01-13. Review status: criteria provided, single submitter. Criteria: ICSL Variant Classification Criteria 13 December 2019. Collection method: clinical testing. Allele origin: germline.

Illumina Laboratory Services, Illumina
Classification: Benign for Tibial muscular dystrophy. Last evaluated: 2018-01-13. Review status: criteria provided, single submitter. Criteria: ICSL Variant Classification Criteria 13 December 2019. Collection method: clinical testing. Allele origin: germline.
Comment: the same text as in the submission from Illumina Laboratory Services, Illumina above.

Labcorp Genetics (formerly Invitae), Labcorp
Classification: Uncertain significance for Dilated cardiomyopathy 1G; Autosomal recessive limb-girdle muscular dystrophy type 2J. Last evaluated: 2017-06-21. Review status: criteria provided, single submitter. Criteria: Invitae Variant Classification Sherloc (09022015). Collection method: clinical testing. Allele origin: germline.

Laboratory for Molecular Medicine, Mass General Brigham Personalized Medicine
Classification: Uncertain significance. Last evaluated: 2017-06-05. Review status: criteria provided, single submitter. Criteria: LMM Criteria. Collection method: clinical testing. Allele origin: germline. Observed: 1 variant allele.
Comment: The p.Val16958Ile variant in TTN has not been previously reported in individuals with myopathy, but has been identified in 0.03% (32/125888) of European chromos omes by the Exome Aggregation Consortium (ExAC; rs377682563). Computational prediction tools and conservation analysis suggest t hat the p.Val16958Ile variant may not impact the protein, though this informatio n is not predictive enough to rule out pathogenicity. In summary, the clinical s ignificance of the p.Val16958Ile variant is uncertain.

Eurofins Ntd Llc (ga)
Classification: Uncertain significance. Last evaluated: 2016-11-16. Review status: criteria provided, single submitter. Criteria: EGL Classification Definitions 2015. Collection method: clinical testing. Allele origin: germline. Observed: 2 variant alleles, 2 heterozygotes.

Biesecker Lab/Clinical Genomics Section, National Institutes of Health
Classification: Likely benign. Last evaluated: 2013-06-24. Review status: criteria provided, single submitter. Criteria: Ng et al. (Circ Cardiovasc Genet. 2013). Collection method: research. Allele origin: unknown. Observed: 2 variant alleles. Study: ClinSeq.
Comment: The study set was not selected for affection status in relation to any cancer. Pathogenicity categories were based on literature curation. See Pubmed ID:23861362 for details.

Medical sequencing

Literature cited by the submitters: PubMed 26498160 (cited by Women's Health and Genetics/Laboratory Corporation of America, LabCorp); PubMed 25448463 (cited by Women's Health and Genetics/Laboratory Corporation of America, LabCorp); PubMed 23861362 (cited by Ambry Genetics).